The following is an entry in ClinVar:

ClinVar aggregate classification (germline): Benign/Likely benign. Review status: criteria provided, multiple submitters, no conflicts (2 of 4 stars). 3 submissions from 2 submitters: Benign (2); Likely benign (1). Last evaluated 2021-05-16.

Conditions:
Susceptibility to mononeuropathy of the median nerve, mild. Also called: CARPAL TUNNEL SYNDROME, SUSCEPTIBILITY TO. Identifiers: MedGen C3150596, MONDO:0013237, OMIM 613353.
Charcot-Marie-Tooth disease type 4C (CMT4C). Also called: CHARCOT-MARIE-TOOTH DISEASE, DEMYELINATING, AUTOSOMAL RECESSIVE, TYPE 4C; CMT 4C; Charcot-Marie-Tooth Neuropathy Type 4C (CMT4C); CHARCOT-MARIE-TOOTH DISEASE, DEMYELINATING, TYPE 4C; SH3TC2-Related Hereditary Motor and Sensory Neuropathy. Identifiers: Orphanet 99949, MedGen C1866636, MONDO:0011113, OMIM 601596.

Allele frequency attached by ClinVar (database versions not stated): gnomAD 0.03204 and 0.03467; TOPMed 0.04737; 1000 Genomes Project 0.06969; 1000 Genomes Project 30x 0.06996.
gnomAD v4.1: 5,287 of 152,300 alleles (3.5%); highest among the groups gnomAD compares: Admixed American, 17%; 341 homozygotes.

Submissions (3):

GeneDx
Classification: Likely benign. Last evaluated: 2021-05-16. Review status: criteria provided, single submitter. Criteria: GeneDx Variant Classification Process June 2021. Collection method: clinical testing. Allele origin: germline. Affected: yes.

Illumina Laboratory Services, Illumina
Classification: Benign for Charcot-Marie-Tooth disease type 4C. Last evaluated: 2018-01-13. Review status: criteria provided, single submitter. Criteria: ICSL Variant Classification Criteria 13 December 2019. Collection method: clinical testing. Allele origin: germline.
Comment: This variant was observed in the ICSL laboratory as part of a predisposition screen in an ostensibly healthy population. It had not been previously curated by ICSL or reported in the Human Gene Mutation Database (HGMD: prior to June 1st, 2018), and was therefore a candidate for classification through an automated scoring system. Utilizing variant allele frequency, disease prevalence and penetrance estimates, and inheritance mode, an automated score was calculated to assess if this variant is too frequent to cause the disease. Based on the score and internal cut-off values, a variant classified as benign is not then subjected to further curation. The score for this variant resulted in a classification of benign for this disease.

Illumina Laboratory Services, Illumina
Classification: Benign for Susceptibility to mononeuropathy of the median nerve, mild. Last evaluated: 2018-01-13. Review status: criteria provided, single submitter. Criteria: ICSL Variant Classification Criteria 13 December 2019. Collection method: clinical testing. Allele origin: germline.
Comment: the same text as in the submission from Illumina Laboratory Services, Illumina above.

NM_024577.4(SH3TC2):c.*6162C>T

Gene: SH3TC2 (SH3 domain and tetratricopeptide repeats 2; minus strand). Cytogenetic location: 5q32.
Variant type: single nucleotide variant.
Coding change: c.*6162C>T on transcript NM_024577.4 (MANE Select); 6162 bases downstream of the stop codon, C replaced by T.
Molecular consequence: 3 prime UTR variant.
Genome position (GRCh38, 1-based): chr5:148,998,549, G>A on the plus strand (C>T on the coding strand, the complement: SH3TC2 is on the minus strand). VCF-style: chr5-148998549-G-A. GRCh37 (hg19) VCF-style: chr5-148378112-G-A.
Identifiers: ClinVar variation 351795 (VCV000351795.6), dbSNP rs17795115, ClinGen allele CA10623292.